The following is an entry in ClinVar:

NM_000081.4(LYST):c.8583G>A (p.Trp2861Ter)

Gene: LYST (lysosomal trafficking regulator; minus strand). Cytogenetic location: 1q42.3.
Variant type: single nucleotide variant.
Coding change: c.8583G>A on transcript NM_000081.4 (MANE Select); coding-DNA position 8583, G replaced by A.
Protein change: p.Trp2861Ter; replaces tryptophan 2861 with a stop codon.
Molecular consequence: nonsense.
Genome position (GRCh38, 1-based): chr1:235,733,859, C>T on the plus strand (G>A on the coding strand, the complement: LYST is on the minus strand). VCF-style: chr1-235733859-C-T. GRCh37 (hg19) VCF-style: chr1-235897159-C-T.
Other names: c.8583G>A, p.Trp2861Ter (NM_001301365.1); short protein forms W2861*.
Identifiers: ClinVar variation 65549 (VCV000065549.5), dbSNP rs80338664, ClinGen allele CA344877.

ClinVar aggregate classification (germline): Pathogenic. Review status: criteria provided, single submitter (1 of 4 stars). 2 submissions from 2 submitters: Pathogenic (1). 1 of the submissions does not count toward it. Last evaluated 2026-01-05.

Conditions:
Chédiak-Higashi syndrome (CHS). Also called: Chediak-Higashi Syndrome. Identifiers: Orphanet 167, MedGen C0007965, MONDO:0008963, OMIM 214500.

Allele frequency attached by ClinVar (database versions not stated): gnomAD exomes below 0.00001.
gnomAD v4.1: 1 of 1,604,410 alleles (0.000062%); highest among the groups gnomAD compares: Non-Finnish European, 0.000085%; no homozygotes.

Submissions (2):

Labcorp Genetics (formerly Invitae), Labcorp
Classification: Pathogenic for Chédiak-Higashi syndrome. Last evaluated: 2026-01-05. Review status: criteria provided, single submitter. Criteria: Invitae Variant Classification Sherloc (09022015). Collection method: clinical testing. Allele origin: germline.
Comment: This sequence change creates a premature translational stop signal (p.Trp2861*) in the LYST gene. It is expected to result in an absent or disrupted protein product. Loss-of-function variants in LYST are known to be pathogenic (PMID: 9215679, 11857544). This variant is not present in population databases (gnomAD no frequency). This premature translational stop signal has been observed in individual(s) with clinical features of LYST related conditions (PMID: 11857544). ClinVar contains an entry for this variant (Variation ID: 65549). For these reasons, this variant has been classified as Pathogenic.

GeneReviews
No classification provided. Condition: Chédiak-Higashi syndrome. Review status: no classification provided. Collection method: literature only. Allele origin: germline. Not counted in ClinVar's aggregate classification.

Literature cited by the submitters: PubMed 9215679 (cited by Labcorp Genetics (formerly Invitae), Labcorp); PubMed 11857544 (cited by Labcorp Genetics (formerly Invitae), Labcorp).